The following is an entry in ClinVar:

NM_000393.5(COL5A2):c.4438G>C (p.Val1480Leu)

Gene: COL5A2 (collagen type V alpha 2 chain; minus strand). Cytogenetic location: 2q32.2.
Variant type: single nucleotide variant.
Coding change: c.4438G>C on transcript NM_000393.5 (MANE Select); coding-DNA position 4438, G replaced by C.
Protein change: p.Val1480Leu; replaces valine 1480 with leucine.
Molecular consequence: missense variant.
Genome position (GRCh38, 1-based): chr2:189,034,132, C>G on the plus strand (G>C on the coding strand, the complement: COL5A2 is on the minus strand). VCF-style: chr2-189034132-C-G. GRCh37 (hg19) VCF-style: chr2-189898858-C-G.
Other names: p.V1480L:GTG>CTG; short protein forms V1480L.
Identifiers: ClinVar variation 213131 (VCV000213131.3), dbSNP rs863223499, ClinGen allele CA322300.

ClinVar aggregate classification (germline): Uncertain significance (1 of 4 stars; one submission).

Allele frequency attached by ClinVar (database versions not stated): TOPMed 0.00001.
gnomAD v4.1: 3 of 1,614,030 alleles (0.00019%); highest among the groups gnomAD compares: South Asian, 0.0033%; no homozygotes.

Submission:

GeneDx
Classification: Uncertain significance. Last evaluated: 2023-01-06. Review status: criteria provided, single submitter. Criteria: GeneDx Variant Classification Process June 2021. Collection method: clinical testing. Allele origin: germline. Affected: yes.
Comment: Has not been previously published as pathogenic or benign to our knowledge; Not observed at significant frequency in large population cohorts (gnomAD); Not located in the triple helical region, where the majority of pathogenic missense variants occur (Symoens et al., 2012; HGMD); In silico analysis supports that this missense variant does not alter protein structure/function; This variant is associated with the following publications: (PMID: 22696272)